The following is an entry in ClinVar:

ClinVar aggregate classification (germline): Uncertain significance (1 of 4 stars; one submission).

Conditions:
Hereditary cancer-predisposing syndrome. Also called: Hereditary neoplastic syndrome; Hereditary Cancer Syndrome; Neoplastic Syndromes, Hereditary; Tumor predisposition. Identifiers: Orphanet 140162, MedGen C0027672, MeSH D009386, MONDO:0015356.

Submission:

Ambry Genetics
Classification: Uncertain significance for Hereditary cancer-predisposing syndrome. Last evaluated: 2026-07-09. Review status: criteria provided, single submitter. Criteria: Ambry Variant Classification Scheme 2023. Collection method: clinical testing. Allele origin: germline.
Comment: The c.3881C>T variant (also known as p.A1294V), located in coding exon 31 of the TSC2 gene, results from a C to T substitution at nucleotide position 3881. The alanine at codon 1294 is replaced by valine, an amino acid with similar properties. This nucleotide position is highly conserved in available vertebrate species. This amino acid position is highly conserved in available vertebrate species. In silico splice site analysis predicts that this alteration will weaken the native splice donor site and will result in the creation or strengthening of a novel splice donor site. RNA studies have demonstrated that this variant results in a splice defect involving exons excluded from naturally occurring transcripts; the clinical impact of this abnormal splicing is unknown at this time (Ambry internal data; Ekong R et al. Hum. Mutat. 2016 Apr;37:364-70). In addition, as a missense variant, this alteration is predicted to be deleterious by in silico analysis. Based on the available evidence, the clinical significance of this variant remains unclear.

NM_000548.5(TSC2):c.3881C>T (p.Ala1294Val)

Gene: TSC2 (TSC complex subunit 2; plus strand). Cytogenetic location: 16p13.3.
Variant type: single nucleotide variant.
Coding change: c.3881C>T on transcript NM_000548.5 (MANE Select); coding-DNA position 3881, C replaced by T.
Protein change: p.Ala1294Val; replaces alanine 1294 with valine.
Molecular consequence: missense variant. On other transcripts: non-coding transcript variant (1), intron variant (33).
Genome position (GRCh38, 1-based): chr16:2,082,502, C>T. VCF-style: chr16-2082502-C-T. GRCh37 (hg19) VCF-style: chr16-2132503-C-T.
Other names: c.3149C>T, p.Ala1050Val (NM_001318831.2); c.3749C>T, p.Ala1250Val (NM_001370404.1, NM_001406665.1); c.3752C>T, p.Ala1251Val (NM_001370405.1, NM_021055.3); c.3878C>T, p.Ala1293Val (NM_001406663.1); c.3281C>T, p.Ala1094Val (NM_001406680.1); c.2408C>T, p.Ala803Val (NM_001406690.1); c.2405C>T, p.Ala802Val (NM_001406691.1); c.2341+704C>T (NM_001406693.1, NM_001406692.1, NM_001406694.1); and 25 more; short protein forms A1050V, A1250V, A802V, A1251V, A1294V, A803V, A1094V, A1293V.
Identifiers: ClinVar variation 2626441 (VCV002626441.3), dbSNP rs2544192725, ClinGen allele CA394295301.